The following is an entry in ClinVar:

ClinVar aggregate classification (germline): Uncertain significance (1 of 4 stars; one submission).

gnomAD v4.1: 1 of 1,612,926 alleles (0.000062%); highest among the groups gnomAD compares: African/African-American, 0.0013%; no homozygotes.

Submission:

Labcorp Genetics (formerly Invitae), Labcorp
Classification: Uncertain significance. Last evaluated: 2025-05-01. Review status: criteria provided, single submitter. Criteria: Invitae Variant Classification Sherloc (09022015). Collection method: clinical testing. Allele origin: germline.
Comment: This sequence change replaces asparagine, which is neutral and polar, with aspartic acid, which is acidic and polar, at codon 1758 of the TCF20 protein (p.Asn1758Asp). This variant is present in population databases (rs538460332, gnomAD 0.007%). This variant has not been reported in the literature in individuals affected with TCF20-related conditions. An algorithm developed to predict the effect of missense changes on protein structure and function (PolyPhen-2) suggests that this variant is likely to be tolerated. In summary, the available evidence is currently insufficient to determine the role of this variant in disease. Therefore, it has been classified as a Variant of Uncertain Significance.

NM_001378418.1(TCF20):c.5272A>G (p.Asn1758Asp)

Gene: TCF20 (transcription factor 20; minus strand). Cytogenetic location: 22q13.2.
Variant type: single nucleotide variant.
Coding change: c.5272A>G on transcript NM_001378418.1 (MANE Select); coding-DNA position 5272, A replaced by G.
Protein change: p.Asn1758Asp; replaces asparagine 1758 with aspartic acid.
Molecular consequence: missense variant.
Genome position (GRCh38, 1-based): chr22:42,210,034, T>C on the plus strand (A>G on the coding strand, the complement: TCF20 is on the minus strand). VCF-style: chr22-42210034-T-C. GRCh37 (hg19) VCF-style: chr22-42606040-T-C.
Other names: c.5272A>G, p.Asn1758Asp (NM_005650.4, NM_181492.3); short protein forms N1758D.
Identifiers: ClinVar variation 4809800 (VCV004809800.1).